The following is an entry in ClinVar:

ClinVar aggregate classification (germline): Uncertain significance (1 of 4 stars; one submission).

Conditions:
Systemic lupus erythematosus (SLE). Identifiers: Orphanet 536, MedGen C0024141, MONDO:0007915, OMIM 152700, HP:0002725.

Submission:

First Genomix Gene Laboratory, Genetic Diagnostics Department
Classification: Uncertain significance for Systemic lupus erythematosus. Last evaluated: 2025-08-19. Review status: criteria provided, single submitter. Criteria: ACMG Guidelines, 2015. Collection method: clinical testing. Allele origin: germline. Inheritance: Autosomal dominant inheritance. Affected: yes. Observed: 1 variant allele.

NM_001394477.1(FCGR2B):c.818-879_818-875del

Gene: FCGR2B (Fc gamma receptor IIb; plus strand). Cytogenetic location: 1q23.3.
Variant type: Deletion.
Coding change: c.818-879_818-875del on transcript NM_001394477.1 (MANE Select); 879 bases into the intron before coding-DNA position 818 through 875 bases into the intron before coding-DNA position 818, 5 bases deleted (GGCAT; older notation c.818-879_818-875delGGCAT).
Molecular consequence: intron variant.
Genome position (GRCh38, 1-based): chr1:161,676,449-161,676,453, GGCAT deleted; deleting any 5 consecutive bases within chr1:161,676,448-161,676,453 gives the same sequence; the c. name uses the placement nearest the transcript's 3' end. VCF-style (leftmost placement, unchanged base first): chr1-161676447-CTGGCA-C. GRCh37 (hg19) VCF-style: chr1-161646237-CTGGCA-C.
Other names: c.761-879_761-875del (NM_001002274.3); c.761-1027_761-1023del (NM_001386005.1); c.815-879_815-875del (NM_001002275.3); c.758-879_758-875del (NM_001002273.3); c.797-879_797-875del (NM_001190828.2); c.740-879_740-875del (NM_001386001.1); c.740-1027_740-1023del (NM_001386006.1); c.794-879_794-875del (NM_001386000.1); and 4 more.
Identifiers: ClinVar variation 4850668 (VCV004850668.1).